The following is an entry in ClinVar:

NM_001369.3(DNAH5):c.2259+1G>A

Genes: DNAH5 (dynein axonemal heavy chain 5; minus strand), DNAH5-AS1 (DNAH5 antisense RNA 1; plus strand). Cytogenetic location: 5p15.2.
Variant type: single nucleotide variant.
Coding change: c.2259+1G>A on transcript NM_001369.3 (MANE Select); the canonical splice donor site of the intron after coding-DNA position 2259, G replaced by A.
Molecular consequence: splice donor variant.
Genome position (GRCh38, 1-based): chr5:13,900,205, C>T on the plus strand (G>A on the coding strand, the complement: DNAH5 is on the minus strand). VCF-style: chr5-13900205-C-T. GRCh37 (hg19) VCF-style: chr5-13900314-C-T.
Identifiers: ClinVar variation 2744680 (VCV002744680.3), dbSNP rs1341751250, ClinGen allele CA359203174.

ClinVar aggregate classification (germline): Likely pathogenic (1 of 4 stars; one submission).

Conditions:
Primary ciliary dyskinesia. Also called: Ciliary dyskinesia. Identifiers: Orphanet 244, MedGen C0008780, MONDO:0016575, HP:0012265.

Allele frequency attached by ClinVar (database versions not stated): gnomAD exomes below 0.00001.
gnomAD v4.1: 1 of 1,611,442 alleles (0.000062%); highest among the groups gnomAD compares: Admixed American, 0.0017%; no homozygotes.

Submission:

Labcorp Genetics (formerly Invitae), Labcorp
Classification: Likely pathogenic for Primary ciliary dyskinesia. Last evaluated: 2023-07-18. Review status: criteria provided, single submitter. Criteria: Invitae Variant Classification Sherloc (09022015). Collection method: clinical testing. Allele origin: germline.
Comment: In summary, the currently available evidence indicates that the variant is pathogenic, but additional data are needed to prove that conclusively. Therefore, this variant has been classified as Likely Pathogenic. Algorithms developed to predict the effect of sequence changes on RNA splicing suggest that this variant may disrupt the consensus splice site. This variant has not been reported in the literature in individuals affected with DNAH5-related conditions. This variant is present in population databases (no rsID available, gnomAD 0.003%). This sequence change affects a donor splice site in intron 15 of the DNAH5 gene. It is expected to disrupt RNA splicing. Variants that disrupt the donor or acceptor splice site typically lead to a loss of protein function (PMID: 16199547), and loss-of-function variants in DNAH5 are known to be pathogenic (PMID: 11788826, 16627867).

Literature cited by the submitters: PubMed 16199547; PubMed 11788826; PubMed 16627867.